The following is an entry in ClinVar:

ClinVar aggregate classification (germline): Uncertain significance (1 of 4 stars; one submission).

Conditions:
Arrhythmogenic right ventricular dysplasia 5. Also called: ARRHYTHMOGENIC RIGHT VENTRICULAR DYSPLASIA, FAMILIAL, 5; Arrhythmogenic Right Ventricular Dysplasia/Cardiomyopathy 5. Identifiers: MedGen C1858379, MONDO:0011459, OMIM 604400.

Submission:

Labcorp Genetics (formerly Invitae), Labcorp
Classification: Uncertain significance for Arrhythmogenic right ventricular dysplasia 5. Last evaluated: 2020-10-01. Review status: criteria provided, single submitter. Criteria: Invitae Variant Classification Sherloc (09022015). Collection method: clinical testing. Allele origin: germline.
Comment: Algorithms developed to predict the effect of missense changes on protein structure and function are either unavailable or do not agree on the potential impact of this missense change (SIFT: "Deleterious"; PolyPhen-2: "Possibly Damaging"; Align-GVGD: "Class C0"). In summary, the available evidence is currently insufficient to determine the role of this variant in disease. Therefore, it has been classified as a Variant of Uncertain Significance. This variant has not been reported in the literature in individuals with TMEM43-related conditions. This variant is not present in population databases (ExAC no frequency). This sequence change replaces valine with glutamic acid at codon 38 of the TMEM43 protein (p.Val38Glu). The valine residue is moderately conserved and there is a moderate physicochemical difference between valine and glutamic acid.

NM_024334.3(TMEM43):c.113T>A (p.Val38Glu)

Gene: TMEM43 (transmembrane protein 43; plus strand). Cytogenetic location: 3p25.1.
Variant type: single nucleotide variant.
Coding change: c.113T>A on transcript NM_024334.3 (MANE Select); coding-DNA position 113, T replaced by A.
Protein change: p.Val38Glu; replaces valine 38 with glutamic acid.
Molecular consequence: missense variant.
Genome position (GRCh38, 1-based): chr3:14,129,512, T>A. VCF-style: chr3-14129512-T-A. GRCh37 (hg19) VCF-style: chr3-14171012-T-A.
Other names: short protein forms V38E.
Identifiers: ClinVar variation 1026228 (VCV001026228.8), dbSNP rs1695065091, ClinGen allele CA351534362.
Genomic context (GRCh38, chr3:14,129,512, plus strand): 5'-AAACCAGCTCCCAGCCAGGCTTCCTGGAACGGCTGAGCGAGACCTCGGGTGGGATGTTTG[T>A]GGGGCTCATGGCCTTCCTGCTCTCCTTCTACCTAATTTTCACCAATGAGGTAAAATGTCT-3'
Protein context (NP_077310.1, residues 28-48): RLSETSGGMF[Val38Glu]GLMAFLLSFY